The following is an entry in ClinVar:

NM_001036.6(RYR3):c.6787T>C (p.Tyr2263His)

Gene: RYR3 (ryanodine receptor 3; plus strand). Cytogenetic location: 15q14.
Variant type: single nucleotide variant.
Coding change: c.6787T>C on transcript NM_001036.6 (MANE Select); coding-DNA position 6787, T replaced by C.
Protein change: p.Tyr2263His; replaces tyrosine 2263 with histidine.
Molecular consequence: missense variant.
Genome position (GRCh38, 1-based): chr15:33,722,882, T>C. VCF-style: chr15-33722882-T-C. GRCh37 (hg19) VCF-style: chr15-34015083-T-C.
Other names: c.6787T>C, p.Tyr2263His (NM_001243996.4); short protein forms Y2263H.
Identifiers: ClinVar variation 1000766 (VCV001000766.8), dbSNP rs2068052281, ClinGen allele CA391587424.

ClinVar aggregate classification (germline): Uncertain significance (1 of 4 stars; one submission).

Conditions:
Epileptic encephalopathy. Identifiers: MedGen C0543888, HP:0200134.

Allele frequency attached by ClinVar (database versions not stated): gnomAD exomes below 0.00001.
gnomAD v4.1: 4 of 1,579,042 alleles (0.00025%); highest among the groups gnomAD compares: Non-Finnish European, 0.00026%; no homozygotes.

Submission:

Labcorp Genetics (formerly Invitae), Labcorp
Classification: Uncertain significance for Epileptic encephalopathy. Last evaluated: 2022-08-09. Review status: criteria provided, single submitter. Criteria: Invitae Variant Classification Sherloc (09022015). Collection method: clinical testing. Allele origin: germline.
Comment: ClinVar contains an entry for this variant (Variation ID: 1000766). In summary, the available evidence is currently insufficient to determine the role of this variant in disease. Therefore, it has been classified as a Variant of Uncertain Significance. Algorithms developed to predict the effect of missense changes on protein structure and function (SIFT, PolyPhen-2, Align-GVGD) all suggest that this variant is likely to be tolerated. This variant has not been reported in the literature in individuals affected with RYR3-related conditions. This variant is not present in population databases (gnomAD no frequency). This sequence change replaces tyrosine, which is neutral and polar, with histidine, which is basic and polar, at codon 2263 of the RYR3 protein (p.Tyr2263His).